The following is an entry in ClinVar:

ClinVar aggregate classification (germline): Conflicting classifications of pathogenicity. Review status: criteria provided, conflicting classifications (1 of 4 stars). 7 submissions from 7 submitters: Uncertain significance (6); Benign (1). Last evaluated 2025-12-10.

Conditions:
Hereditary cancer-predisposing syndrome. Also called: Neoplastic Syndromes, Hereditary; Tumor predisposition; Hereditary neoplastic syndrome; Hereditary Cancer Syndrome. Identifiers: Orphanet 140162, MedGen C0027672, MeSH D009386, MONDO:0015356.
Juvenile polyposis syndrome (JPS). Identifiers: Orphanet 2929, MedGen C0345893, MONDO:0017380, OMIM 174900.
Polyposis syndrome, hereditary mixed, 2. Identifiers: Orphanet 157794, MedGen C1864730, MONDO:0012405, OMIM 610069.

Allele frequency attached by ClinVar (database versions not stated): gnomAD exomes 0.00001; ExAC 0.00001; gnomAD 0.00001.
gnomAD v4.1: 17 of 1,614,044 alleles (0.0011%); highest among the groups gnomAD compares: Middle Eastern, 0.033%; no homozygotes.

Submissions (7):

Labcorp Genetics (formerly Invitae), Labcorp
Classification: Uncertain significance for Juvenile polyposis syndrome. Last evaluated: 2025-12-10. Review status: criteria provided, single submitter. Criteria: Invitae Variant Classification Sherloc (09022015). Collection method: clinical testing. Allele origin: germline.
Comment: This sequence change replaces arginine, which is basic and polar, with tryptophan, which is neutral and slightly polar, at codon 486 of the BMPR1A protein (p.Arg486Trp). This variant is present in population databases (rs767763451, gnomAD 0.006%). This variant has not been reported in the literature in individuals affected with BMPR1A-related conditions. ClinVar contains an entry for this variant (Variation ID: 460487). Invitae Evidence Modeling of protein sequence and biophysical properties (such as structural, functional, and spatial information, amino acid conservation, physicochemical variation, residue mobility, and thermodynamic stability) has been performed for this missense variant. However, the output from this modeling did not meet the statistical confidence thresholds required to predict the impact of this variant on BMPR1A protein function. In summary, the available evidence is currently insufficient to determine the role of this variant in disease. Therefore, it has been classified as a Variant of Uncertain Significance.

Dasa
Classification: Uncertain significance. Last evaluated: 2025-12-01. Review status: criteria provided, single submitter. Criteria: DASA Assertion Criteria. Collection method: clinical testing. Allele origin: germline.
Comment: NM_004329.3(BMPR1A):c.1456C>T (p.Arg486Trp) is a missense variant that results in the substitution of arginine with tryptophan. This variant is rare in population databases. The currently available literature and clinical evidence are not sufficient to establish a definitive association between this variant and the reported condition. Therefore, this variant is classified as a variant of uncertain significance.

Color Diagnostics, LLC DBA Color Health
Classification: Benign for Hereditary cancer-predisposing syndrome. Last evaluated: 2024-12-17. Review status: criteria provided, single submitter. Criteria: ACMG Guidelines, 2015. Collection method: clinical testing. Allele origin: germline.

Ambry Genetics
Classification: Uncertain significance for Hereditary cancer-predisposing syndrome. Last evaluated: 2024-04-08. Review status: criteria provided, single submitter. Criteria: Ambry Variant Classification Scheme 2023. Collection method: clinical testing. Allele origin: germline.
Comment: The p.R486W variant (also known as c.1456C>T), located in coding exon 10 of the BMPR1A gene, results from a C to T substitution at nucleotide position 1456. The arginine at codon 486 is replaced by tryptophan, an amino acid with dissimilar properties. This amino acid position is highly conserved in available vertebrate species. In addition, the in silico prediction for this alteration is inconclusive. Since supporting evidence is limited at this time, the clinical significance of this alteration remains unclear.

Baylor Genetics
Classification: Uncertain significance for Polyposis syndrome, hereditary mixed, 2. Last evaluated: 2024-03-20. Review status: criteria provided, single submitter. Criteria: ACMG Guidelines, 2015. Collection method: clinical testing. Allele origin: unknown.

All of Us Research Program, National Institutes of Health
Classification: Uncertain significance for Juvenile polyposis syndrome. Last evaluated: 2023-04-15. Review status: criteria provided, single submitter. Criteria: ACMG Guidelines, 2015. Collection method: clinical testing. Allele origin: germline. Inheritance: Autosomal dominant inheritance. Observed: 1 variant allele, 1 heterozygote.
Comment: This missense variant replaces arginine with tryptophan at codon 486 of the BMPR1A protein. Computational prediction suggests that this variant may not impact protein structure and function (internally defined REVEL score threshold <= 0.5, PMID: 27666373). To our knowledge, functional studies have not been reported for this variant. This variant has not been reported in individuals affected with hereditary cancer in the literature. This variant has been identified in 2/251492 chromosomes in the general population by the Genome Aggregation Database (gnomAD). The available evidence is insufficient to determine the role of this variant in disease conclusively. Therefore, this variant is classified as a Variant of Uncertain Significance.

This study involves interpretation of variants in research participants for the purpose of population health screening. Participant phenotype was not available at the time of variant classification. Additional details can be found in publication PMID: 35346344, PMCID: PMC8962531

GeneDx
Classification: Uncertain significance. Last evaluated: 2022-05-06. Review status: criteria provided, single submitter. Criteria: GeneDx Variant Classification Process June 2021. Collection method: clinical testing. Allele origin: germline. Affected: yes.
Comment: Not observed at significant frequency in large population cohorts (gnomAD); In silico analysis supports that this missense variant has a deleterious effect on protein structure/function; Has not been previously published as pathogenic or benign to our knowledge; This variant is associated with the following publications: (PMID: 28481359)

NM_004329.3(BMPR1A):c.1456C>T (p.Arg486Trp)

Gene: BMPR1A (bone morphogenetic protein receptor type 1A; plus strand). Cytogenetic location: 10q23.2.
Variant type: single nucleotide variant.
Coding change: c.1456C>T on transcript NM_004329.3 (MANE Select); coding-DNA position 1456, C replaced by T.
Protein change: p.Arg486Trp; replaces arginine 486 with tryptophan.
Molecular consequence: missense variant.
Genome position (GRCh38, 1-based): chr10:86,923,489, C>T. VCF-style: chr10-86923489-C-T. GRCh37 (hg19) VCF-style: chr10-88683246-C-T.
Other names: short protein forms R486W.
Identifiers: ClinVar variation 460487 (VCV000460487.26), dbSNP rs767763451, ClinGen allele CA5585722.